The following is an entry in ClinVar:

ClinVar aggregate classification (germline): Uncertain significance (1 of 4 stars; one submission).

Conditions:
Anterior segment dysgenesis 7 (ASGD7). Also called: Anterior segment dysgenesis 7, with sclerocornea; SCLEROCORNEA WITH OTHER OCULAR ANOMALIES. Identifiers: Orphanet 289499, MedGen C3151617, MONDO:0010015, OMIM 269400.

Submission:

Labcorp Genetics (formerly Invitae), Labcorp
Classification: Uncertain significance for Anterior segment dysgenesis 7. Last evaluated: 2021-05-28. Review status: criteria provided, single submitter. Criteria: Invitae Variant Classification Sherloc (09022015). Collection method: clinical testing. Allele origin: germline.
Comment: This variant has not been reported in the literature in individuals with PXDN-related conditions. In summary, the available evidence is currently insufficient to determine the role of this variant in disease. Therefore, it has been classified as a Variant of Uncertain Significance. Algorithms developed to predict the effect of missense changes on protein structure and function are either unavailable or do not agree on the potential impact of this missense change (SIFT: "Not Available"; PolyPhen-2: "Benign"; Align-GVGD: "Not Available"). The frequency data for this variant in the population databases is considered unreliable, as metrics indicate insufficient coverage at this position in the ExAC database. This sequence change replaces arginine with leucine at codon 11 of the PXDN protein (p.Arg11Leu). The arginine residue is weakly conserved and there is a moderate physicochemical difference between arginine and leucine.

NM_012293.3(PXDN):c.32_33delinsTT (p.Arg11Leu)

Gene: PXDN (peroxidasin; minus strand). Cytogenetic location: 2p25.3.
Variant type: Indel.
Coding change: c.32_33delinsTT on transcript NM_012293.3 (MANE Select); coding-DNA positions 32 to 33, GC replaced by TT.
Protein change: p.Arg11Leu; replaces arginine 11 with leucine.
Molecular consequence: missense variant.
Genome position (GRCh38, 1-based): chr2:1,744,423-1,744,424, GC replaced by AA on the plus strand (GC replaced by TT on the coding strand, the reverse complement: PXDN is on the minus strand). VCF-style: chr2-1744423-GC-AA. GRCh37 (hg19) VCF-style: chr2-1748195-GC-AA.
Other names: short protein forms R11L.
Identifiers: ClinVar variation 1356855 (VCV001356855.6), dbSNP rs2125500995, ClinGen allele CA2573133090.
Genomic context (GRCh38, chr2:1,744,423, plus strand): 5'-CTTCTGGGCCACCACGGCCAGCGTCCCCCAGGCGCAGAACAGCACGAGCGCCAACAGGCA[GC>AA]GGCGCCCGGGGCCCCTGGAGCGCTTGGCCATGGCCGACGGCGCGGACGGACGCTCGGACG-3'
Protein context (NP_036425.1, residues 1-21): MAKRSRGPGR[Arg11Leu]CLLALVLFCA